The following is an entry in ClinVar:

ClinVar aggregate classification (germline): Uncertain significance (1 of 4 stars; one submission).

Submission:

GeneDx
Classification: Uncertain significance. Last evaluated: 2022-06-15. Review status: criteria provided, single submitter. Criteria: GeneDx Variant Classification Process June 2021. Collection method: clinical testing. Allele origin: germline. Affected: yes.
Comment: Not observed at significant frequency in large population cohorts (gnomAD); In-frame insertion of 1 amino acid in a non-repeat region; Has not been previously published as pathogenic or benign to our knowledge

NM_000834.5(GRIN2B):c.3995_3997dup (p.Asp1332_Gly1333insAsp)

Gene: GRIN2B (glutamate ionotropic receptor NMDA type subunit 2B; minus strand). Cytogenetic location: 12p13.1.
Variant type: Duplication.
Coding change: c.3995_3997dup on transcript NM_000834.5 (MANE Select); coding-DNA positions 3995 to 3997, 3 bases duplicated (ATG; older notation c.3995_3997dupATG).
Protein change: p.Asp1332_Gly1333insAsp.
Molecular consequence: inframe insertion. On other transcripts: inframe indel (1).
Genome position (GRCh38, 1-based): chr12:13,563,241-13,563,243, CAT duplicated on the plus strand (ATG on the coding strand, the reverse complement: GRIN2B is on the minus strand); duplicating any 3 consecutive bases within chr12:13,563,241-13,563,244 gives the same sequence; the c. name uses the placement nearest the transcript's 3' end. VCF-style (leftmost placement, unchanged base first): chr12-13563240-C-CCAT. GRCh37 (hg19) VCF-style: chr12-13716174-C-CCAT.
Other names: c.3994_3996dup, p.Asp1332_Gly1333insAsp (NM_001413992.1).
Identifiers: ClinVar variation 1804216 (VCV001804216.1), dbSNP rs2497466144, ClinGen allele CA2580085181.